The following is an entry in ClinVar:

ClinVar aggregate classification (germline): Uncertain significance. Review status: criteria provided, multiple submitters, no conflicts (2 of 4 stars). 2 submissions from 2 submitters: Uncertain significance (2). Last evaluated 2025-04-03.

Conditions:
Intellectual developmental disorder, autosomal dominant 43. Also called: Intellectual disability, autosomal dominant 43. Identifiers: MedGen C4707429, MONDO:0014858, OMIM 616977.
HIVEP2-related disorder. Also called: HIVEP2-related condition.

Allele frequency attached by ClinVar (database versions not stated): TOPMed 0.00002.

Submissions (2):

PreventionGenetics, part of Exact Sciences
Classification: Uncertain significance for HIVEP2-related condition. Last evaluated: 2025-04-03. Review status: criteria provided, single submitter. Criteria: ACMG Guidelines, 2015. Collection method: clinical testing. Allele origin: germline.
Comment: The HIVEP2 c.3281A>C variant is predicted to result in the amino acid substitution p.Gln1094Pro. To our knowledge, this variant has not been reported in the literature or in a large population database (gnomAD), indicating this variant is rare. At this time, the clinical significance of this variant is uncertain due to the absence of conclusive functional and genetic evidence.

Baylor Genetics
Classification: Uncertain significance for Intellectual developmental disorder, autosomal dominant 43. Last evaluated: 2018-05-11. Review status: criteria provided, single submitter. Criteria: ACMG Guidelines, 2015. Collection method: clinical testing. Allele origin: unknown. Affected: yes.
Comment: This variant was determined to be of uncertain significance according to ACMG Guidelines, 2015 [PMID:25741868].

NM_006734.4(HIVEP2):c.3281A>C (p.Gln1094Pro)

Gene: HIVEP2 (HIVEP zinc finger 2; minus strand). Cytogenetic location: 6q24.2.
Variant type: single nucleotide variant.
Coding change: c.3281A>C on transcript NM_006734.4 (MANE Select); coding-DNA position 3281, A replaced by C.
Protein change: p.Gln1094Pro; replaces glutamine 1094 with proline.
Molecular consequence: missense variant.
Genome position (GRCh38, 1-based): chr6:142,771,458, T>G on the plus strand (A>C on the coding strand, the complement: HIVEP2 is on the minus strand). VCF-style: chr6-142771458-T-G. GRCh37 (hg19) VCF-style: chr6-143092595-T-G.
Other names: short protein forms Q1094P.
Identifiers: ClinVar variation 1033137 (VCV001033137.2), dbSNP rs1775541285, ClinGen allele CA365904555.
Genomic context (GRCh38, chr6:142,771,458, plus strand): 5'-CCAGCATGCAGGTGCTCCAGCTGCTCTTGCTTCACGCTCTGATCCATGCCAACCTCGCCC[T>G]GGGAGATTTCTGGGGAGCCACTGAAGGAAGCTTGCCGCACCAGAAAGCATTTCTTCCTCT-3'
Protein context (NP_006725.3, residues 1084-1104): ASFSGSPEIS[Gln1094Pro]GEVGMDQSVK